The following is an entry in ClinVar:

ClinVar aggregate classification (germline): Uncertain significance (1 of 4 stars; one submission).

Allele frequency attached by ClinVar (database versions not stated): gnomAD 0.00001; ExAC 0.00003.

Submission:

Labcorp Genetics (formerly Invitae), Labcorp
Classification: Uncertain significance. Last evaluated: 2022-09-27. Review status: criteria provided, single submitter. Criteria: Invitae Variant Classification Sherloc (09022015). Collection method: clinical testing. Allele origin: germline.
Comment: In summary, the available evidence is currently insufficient to determine the role of this variant in disease. Therefore, it has been classified as a Variant of Uncertain Significance. Advanced modeling of protein sequence and biophysical properties (such as structural, functional, and spatial information, amino acid conservation, physicochemical variation, residue mobility, and thermodynamic stability) performed at Invitae indicates that this missense variant is expected to disrupt KATNB1 protein function. This variant has not been reported in the literature in individuals affected with KATNB1-related conditions. This variant is present in population databases (rs782125903, gnomAD 0.009%). This sequence change replaces glycine, which is neutral and non-polar, with cysteine, which is neutral and slightly polar, at codon 207 of the KATNB1 protein (p.Gly207Cys).

NM_005886.3(KATNB1):c.619G>T (p.Gly207Cys)

Gene: KATNB1 (katanin regulatory subunit B1; plus strand). Cytogenetic location: 16q21.
Variant type: single nucleotide variant.
Coding change: c.619G>T on transcript NM_005886.3 (MANE Select); coding-DNA position 619, G replaced by T.
Protein change: p.Gly207Cys; replaces glycine 207 with cysteine.
Molecular consequence: missense variant.
Genome position (GRCh38, 1-based): chr16:57,752,042, G>T. VCF-style: chr16-57752042-G-T. GRCh37 (hg19) VCF-style: chr16-57785954-G-T.
Other names: short protein forms G207C.
Identifiers: ClinVar variation 2156768 (VCV002156768.4), dbSNP rs782125903, ClinGen allele CA8080816.